The following is an entry in ClinVar:

NM_001010985.3(MYBPHL):c.805G>A (p.Asp269Asn)

Gene: MYBPHL (myosin binding protein H like; minus strand). Cytogenetic location: 1p13.3.
Variant type: single nucleotide variant.
Coding change: c.805G>A on transcript NM_001010985.3 (MANE Select); coding-DNA position 805, G replaced by A.
Protein change: p.Asp269Asn; replaces aspartic acid 269 with asparagine.
Molecular consequence: missense variant.
Genome position (GRCh38, 1-based): chr1:109,296,296, C>T on the plus strand (G>A on the coding strand, the complement: MYBPHL is on the minus strand). VCF-style: chr1-109296296-C-T. GRCh37 (hg19) VCF-style: chr1-109838918-C-T.
Other names: c.736G>A, p.Asp246Asn (NM_001265613.2); short protein forms D246N, D269N.
Identifiers: ClinVar variation 1253160 (VCV001253160.4), dbSNP rs629001, ClinGen allele CA989198.

ClinVar aggregate classification (germline): Benign. Review status: criteria provided, multiple submitters, no conflicts (2 of 4 stars). 3 submissions from 3 submitters: Benign (3). Last evaluated 2024-11-26.

Allele frequency attached by ClinVar (database versions not stated): ESP Exome Variant Server 0.85999; TOPMed 0.86548; gnomAD 0.86770 and 0.87372; 1000 Genomes Project 30x 0.87008; 1000 Genomes Project 0.87460; ExAC 0.92194; gnomAD exomes 0.92837 and 0.92992.

Submissions (3):

Blueprint Genetics
Classification: Benign. Last evaluated: 2024-11-26. Review status: criteria provided, single submitter. Criteria: ACMG Guidelines, 2015. Collection method: clinical testing. Allele origin: germline.

GeneDx
Classification: Benign. Last evaluated: 2021-05-04. Review status: criteria provided, single submitter. Criteria: GeneDx Variant Classification Process June 2021. Collection method: clinical testing. Allele origin: germline. Affected: yes.
Comment: This variant is associated with the following publications: (PMID: 28008009)

Breakthrough Genomics
Classification: Benign. Review status: criteria provided, single submitter. Criteria: ACMG Guidelines, 2015. Collection method: not provided. Allele origin: germline. Inheritance: Unknown mechanism. Affected: yes.